The following is an entry in ClinVar:

NM_001709.5(BDNF):c.-21-15556A>G

Genes: BDNF-AS (BDNF antisense RNA; plus strand), BDNF (brain derived neurotrophic factor; minus strand). Cytogenetic location: 11p14.1.
Variant type: single nucleotide variant.
Coding change: c.-21-15556A>G on transcript NM_001709.5 (MANE Select); 15556 bases into the intron before 21 bases upstream of the start codon, A replaced by G.
Molecular consequence: intron variant. On other transcripts: synonymous variant (1), 5 prime UTR variant (1).
Genome position (GRCh38, 1-based): chr11:27,674,141, T>C on the plus strand (A>G on the coding strand, the complement: BDNF is on the minus strand). VCF-style: chr11-27674141-T-C. GRCh37 (hg19) VCF-style: chr11-27695688-T-C.
Other names: c.144A>G, p.Ala48= (NM_001143810.2); c.-220A>G (NM_001143811.2); c.4-15556A>G (NM_170731.5); c.-21-15556A>G (NM_001143805.1, NM_001143806.1, NM_170732.4 and 5 more transcripts); c.67-15556A>G (NM_001143809.2); c.-128-15215A>G (NM_001143814.2); c.25-15556A>G (NM_170734.4).
Identifiers: ClinVar variation 3349121 (VCV003349121.1).

ClinVar aggregate classification (germline): Likely benign (0 of 4 stars; one submission).

Conditions:
BDNF-related disorder. Also called: BDNF-related condition.

gnomAD v4.1: 5 of 1,611,560 alleles (0.00031%); highest among the groups gnomAD compares: Non-Finnish European, 0.00042%; no homozygotes.

Submission:

PreventionGenetics, part of Exact Sciences
Classification: Likely benign for BDNF-related condition. Last evaluated: 2023-11-29. Review status: no assertion criteria provided. Collection method: clinical testing. Allele origin: germline.
Comment: This variant is classified as likely benign based on ACMG/AMP sequence variant interpretation guidelines (Richards et al. 2015 PMID: 25741868, with internal and published modifications).